The following is an entry in ClinVar:

ClinVar aggregate classification (germline): Likely benign. Review status: criteria provided, multiple submitters, no conflicts (2 of 4 stars). 5 submissions from 5 submitters: Likely benign (4). 1 of the submissions does not count toward it. Last evaluated 2025-10-01.

Conditions:
KAT6A-related disorder. Also called: KAT6A-related condition.
Inborn genetic diseases. Identifiers: MedGen C0950123, MeSH D030342.

Allele frequency attached by ClinVar (database versions not stated): gnomAD exomes below 0.00001 and 0.00002; ExAC 0.00001; gnomAD 0.00001; TOPMed 0.00001.
gnomAD v4.1: 37 of 1,612,692 alleles (0.0023%); highest among the groups gnomAD compares: Middle Eastern, 0.15%; 1 homozygote.

Submissions (5):

Labcorp Genetics (formerly Invitae), Labcorp
Classification: Likely benign. Last evaluated: 2025-10-01. Review status: criteria provided, single submitter. Criteria: Invitae Variant Classification Sherloc (09022015). Collection method: clinical testing. Allele origin: germline.

Blueprint Genetics
Classification: Likely benign. Last evaluated: 2024-08-09. Review status: criteria provided, single submitter. Criteria: ACMG Guidelines, 2015. Collection method: clinical testing. Allele origin: germline.

Ambry Genetics
Classification: Likely benign for Inborn genetic diseases. Last evaluated: 2017-02-22. Review status: criteria provided, single submitter. Criteria: Ambry Variant Classification Scheme 2023. Collection method: clinical testing. Allele origin: germline.

Breakthrough Genomics
Classification: Likely benign. Review status: criteria provided, single submitter. Criteria: ACMG Guidelines, 2015. Collection method: not provided. Allele origin: germline. Inheritance: Autosomal dominant inheritance. Affected: yes.

PreventionGenetics, part of Exact Sciences
Classification: Likely benign for KAT6A-related condition. Last evaluated: 2019-05-24. Review status: no assertion criteria provided. Collection method: clinical testing. Allele origin: germline. Not counted in ClinVar's aggregate classification.
Comment: This variant is classified as likely benign based on ACMG/AMP sequence variant interpretation guidelines (Richards et al. 2015 PMID: 25741868, with internal and published modifications).

NM_006766.5(KAT6A):c.4767C>T (p.Tyr1589=)

Gene: KAT6A (lysine acetyltransferase 6A; minus strand). Cytogenetic location: 8p11.21.
Variant type: single nucleotide variant.
Coding change: c.4767C>T on transcript NM_006766.5 (MANE Select); coding-DNA position 4767, C replaced by T.
Protein change: p.Tyr1589=; no amino-acid change (tyrosine 1589 retained).
Molecular consequence: synonymous variant.
Genome position (GRCh38, 1-based): chr8:41,933,453, G>A on the plus strand (C>T on the coding strand, the complement: KAT6A is on the minus strand). VCF-style: chr8-41933453-G-A. GRCh37 (hg19) VCF-style: chr8-41790971-G-A.
Other names: c.4767C>T (NM_006766.4).
Identifiers: ClinVar variation 588810 (VCV000588810.14), dbSNP rs754428979, ClinGen allele CA4729433.